The following is an entry in ClinVar:

ClinVar aggregate classification (germline): Conflicting classifications of pathogenicity. Review status: criteria provided, conflicting classifications (1 of 4 stars). 6 submissions from 6 submitters: Pathogenic (1); Likely pathogenic (4); Uncertain significance (1). Last evaluated 2025-12-04.

Conditions:
Inborn genetic diseases. Identifiers: MedGen C0950123, MeSH D030342.
Congenital hyperammonemia, type I. Also called: Carbamoyl-phosphate synthase I deficiency; CPS I DEFICIENCY; Carbamoyl phosphate synthetase I deficiency disease; Carbamoyl phosphate synthetase 1 deficiency; Hyperammonemia due to carbamoyl phosphate synthetase 1 deficiency; CPS 1 deficiency. Identifiers: Orphanet 147, MedGen C4082171, MONDO:0009376, OMIM 237300.

Allele frequency attached by ClinVar (database versions not stated): gnomAD 0.00001; ExAC 0.00002; gnomAD exomes 0.00001 and 0.00002; TOPMed 0.00002.
gnomAD v4.1: 12 of 1,612,420 alleles (0.00074%); highest among the groups gnomAD compares: Admixed American, 0.0017%; no homozygotes.

Submissions (6):

Ambry Genetics
Classification: Likely pathogenic for Inborn genetic diseases. Last evaluated: 2025-12-04. Review status: criteria provided, single submitter. Criteria: Ambry Variant Classification Scheme 2023. Collection method: clinical testing. Allele origin: germline.
Comment: The c.697C>T (p.R233C) alteration is located in exon 7 (coding exon 7) of the CPS1 gene. This alteration results from a C to T substitution at nucleotide position 697, causing the arginine (R) at amino acid position 233 to be replaced by a cysteine (C). Based on data from gnomAD, the T allele has an overall frequency of 0.002% (4/251050) total alleles studied. The highest observed frequency was 0.016% (1/6124) of Other alleles. This variant has been identified in the homozygous state and/or in conjunction with other CPS1 variant(s) in individual(s) with features consistent with Carbamoylphosphate synthetase deficiency; in at least one instance, the variants were identified in trans (Yamaguchi, 2016; Staretz-Chacham, 2021). Other variant(s) at the same codon, c.698G>A (p.R233H) have been identified in individual(s) with features consistent with Carbamoylphosphate synthetase deficiency (Kasahara, 2010). This amino acid position is highly conserved in available vertebrate species. This alteration is predicted to be deleterious by in silico analysis. Based on the available evidence, this alteration is classified as likely pathogenic.

Natera, Inc.
Classification: Likely pathogenic for Carbamoyl-phosphate synthase I deficiency. Last evaluated: 2025-07-14. Review status: criteria provided, single submitter. Criteria: Natera Variant Classification Schema (03/2026). Collection method: clinical testing. Allele origin: germline.
Comment: The c.697C>T variant in CPS1 is a missense variant predicted to cause substitution of arginine to cysteine at amino acid 233. This variant is rare in the general population with a frequency below the threshold expected for the associated phenotype(s). This variant has been observed in one or more individuals affected with the associated recessive disease, as either homozygous or compound heterozygous with a second variant (PMID: 27150549, 33190319). This variant has been identified in one or more affected individuals with a phenotype highly consistent with the associated gene (PMID:33190319). Computational prediction algorithms indicate this variant is likely to affect gene or protein function. Given the available evidence, this variant is classified as Likely Pathogenic.

Myriad Genetics, Inc.
Classification: Likely pathogenic for Congenital hyperammonemia, type I. Last evaluated: 2024-12-03. Review status: criteria provided, single submitter. Criteria: Myriad Autosomal Dominant, Autosomal Recessive and X-Linked Classification Criteria (2023). Collection method: clinical testing. Allele origin: unknown.
Comment: NM_001875.4(CPS1):c.697C>T(R233C) is a missense variant classified as likely pathogenic in the context of carbamoylphosphate synthetase I deficiency. R233C has been observed in cases with relevant disease (PMID: 33309754, 27150549, 33190319, Ucar_2010_(Abstract)). Relevant functional assessments of this variant are not available in the literature. R233C has been observed in referenced population frequency databases. In summary, NM_001875.4(CPS1):c.697C>T(R233C) is a missense variant that has been observed more frequently in cases with the relevant disease than in healthy populations. Please note: this variant was assessed in the context of healthy population screening.

Women's Health and Genetics/Laboratory Corporation of America, LabCorp
Classification: Likely pathogenic for Congenital hyperammonemia, type I. Last evaluated: 2024-09-11. Review status: criteria provided, single submitter. Criteria: LabCorp Variant Classification Summary - May 2015. Collection method: clinical testing. Allele origin: germline.
Comment: Variant summary: CPS1 c.697C>T (p.Arg233Cys) results in a non-conservative amino acid change located in the Glutamine amidotransferase (IPR017926) of the encoded protein sequence. Five of five in-silico tools predict a damaging effect of the variant on protein function. The variant allele was found at a frequency of 1.6e-05 in 251050 control chromosomes. c.697C>T has been reported in the literature in individuals affected with Carbamoylphosphate Synthetase I Deficiency as compound heterozygous and homozygous genotype (e.g. Haberle_2011, Makris_2021, Staretz-Chacham_2020, Yamaguchi_2016). These data indicate that the variant is likely to be associated with disease. To our knowledge, no experimental evidence demonstrating an impact on protein function has been reported. The following publications have been ascertained in the context of this evaluation (PMID: 21120950, 33309754, 33190319, 27150549). ClinVar contains an entry for this variant (Variation ID: 477857). Based on the evidence outlined above, the variant was classified as likely pathogenic.

Labcorp Genetics (formerly Invitae), Labcorp
Classification: Pathogenic for Congenital hyperammonemia, type I. Last evaluated: 2024-05-22. Review status: criteria provided, single submitter. Criteria: Invitae Variant Classification Sherloc (09022015). Collection method: clinical testing. Allele origin: germline.
Comment: This sequence change replaces arginine, which is basic and polar, with cysteine, which is neutral and slightly polar, at codon 233 of the CPS1 protein (p.Arg233Cys). This variant is present in population databases (rs767905306, gnomAD 0.003%). This missense change has been observed in individuals with carbamoyl phosphate synthetase I deficiency (PMID: 27150549, 33190319; Invitae). This variant is also known as R223C. ClinVar contains an entry for this variant (Variation ID: 477857). Advanced modeling of protein sequence and biophysical properties (such as structural, functional, and spatial information, amino acid conservation, physicochemical variation, residue mobility, and thermodynamic stability) performed at Invitae indicates that this missense variant is expected to disrupt CPS1 protein function with a positive predictive value of 95%. For these reasons, this variant has been classified as Pathogenic.

Department of Pathology and Laboratory Medicine, Sinai Health System
Classification: Uncertain significance for carbamoyl phosphate synthetase I deficiency disease. Last evaluated: 2023-10-16. Review status: criteria provided, single submitter. Criteria: ACMG Guidelines, 2015. Collection method: research. Allele origin: germline.

Literature cited by the submitters: PubMed 21108709 (cited by Ambry Genetics); PubMed 27150549 (cited by 4 submitters); PubMed 33190319 (cited by 4 submitters); PubMed 21120950 (cited by Women's Health and Genetics/Laboratory Corporation of America, LabCorp); PubMed 33309754 (cited by Women's Health and Genetics/Laboratory Corporation of America, LabCorp).

NM_001875.5(CPS1):c.697C>T (p.Arg233Cys)

Gene: CPS1 (carbamoyl-phosphate synthase 1; plus strand). Cytogenetic location: 2q34.
Variant type: single nucleotide variant.
Coding change: c.697C>T on transcript NM_001875.5 (MANE Select); coding-DNA position 697, C replaced by T.
Protein change: p.Arg233Cys; replaces arginine 233 with cysteine.
Molecular consequence: missense variant. On other transcripts: non-coding transcript variant (1).
Genome position (GRCh38, 1-based): chr2:210,588,133, C>T. VCF-style: chr2-210588133-C-T. GRCh37 (hg19) VCF-style: chr2-211452857-C-T.
Other names: c.697C>T, p.Arg233Cys (NM_001122633.3, NM_001369257.1); c.730C>T, p.Arg244Cys (NM_001369256.1); c.697C>T (LRG_336t1); short protein forms R233C, R244C.
Identifiers: ClinVar variation 477857 (VCV000477857.16), dbSNP rs767905306, ClinGen allele CA2086104.